The following is an entry in ClinVar:

NM_006231.4(POLE):c.5480C>T (p.Ser1827Leu)

Gene: POLE (DNA polymerase epsilon, catalytic subunit; minus strand). Cytogenetic location: 12q24.33.
Variant type: single nucleotide variant.
Coding change: c.5480C>T on transcript NM_006231.4 (MANE Select); coding-DNA position 5480, C replaced by T.
Protein change: p.Ser1827Leu; replaces serine 1827 with leucine.
Molecular consequence: missense variant.
Genome position (GRCh38, 1-based): chr12:132,639,197, G>A on the plus strand (C>T on the coding strand, the complement: POLE is on the minus strand). VCF-style: chr12-132639197-G-A. GRCh37 (hg19) VCF-style: chr12-133215783-G-A.
Other names: short protein forms S1827L.
Identifiers: ClinVar variation 405627 (VCV000405627.27), dbSNP rs763031537, ClinGen allele CA6892513.
Genomic context (GRCh38, chr12:132,639,197, plus strand): 5'-TTCTTCATCATGTTGTGGAGTGTGCGGTGCAGGGCAGGGTCATGAAGCAGAGAGGATGGC[G>A]ACCGAAGCCAGCGGTAGAAGTGCATCACCTGGTTGTCTGCATAGATGTTGTGGTACTGGG-3'
Protein context (NP_006222.2, residues 1817-1837): QVMHFYRWLR[Ser1827Leu]PSSLLHDPAL

ClinVar aggregate classification (germline): Uncertain significance. Review status: criteria provided, multiple submitters, no conflicts (2 of 4 stars). 7 submissions from 7 submitters: Uncertain significance (7). Last evaluated 2026-02-02.

Conditions:
Hereditary cancer-predisposing syndrome. Also called: Hereditary Cancer Syndrome; Hereditary neoplastic syndrome; Neoplastic Syndromes, Hereditary; Tumor predisposition. Identifiers: Orphanet 140162, MedGen C0027672, MeSH D009386, MONDO:0015356.

Allele frequency attached by ClinVar (database versions not stated): ExAC 0.00002; gnomAD exomes 0.00002 and 0.00003; TOPMed 0.00004; gnomAD 0.00007 and 0.00008.
gnomAD v4.1: 48 of 1,613,922 alleles (0.003%); highest among the groups gnomAD compares: African/African-American, 0.013%; no homozygotes.

Submissions (7):

Labcorp Genetics (formerly Invitae), Labcorp
Classification: Uncertain significance. Last evaluated: 2026-02-02. Review status: criteria provided, single submitter. Criteria: Invitae Variant Classification Sherloc (09022015). Collection method: clinical testing. Allele origin: germline.
Comment: This sequence change replaces serine, which is neutral and polar, with leucine, which is neutral and non-polar, at codon 1827 of the POLE protein (p.Ser1827Leu). This variant is present in population databases (rs763031537, gnomAD 0.01%). This variant has not been reported in the literature in individuals affected with POLE-related conditions. ClinVar contains an entry for this variant (Variation ID: 405627). Invitae Evidence Modeling of protein sequence and biophysical properties (such as structural, functional, and spatial information, amino acid conservation, physicochemical variation, residue mobility, and thermodynamic stability) has been performed for this missense variant. However, the output from this modeling did not meet the statistical confidence thresholds required to predict the impact of this variant on POLE protein function. In summary, the available evidence is currently insufficient to determine the role of this variant in disease. Therefore, it has been classified as a Variant of Uncertain Significance.

Center for Genomic Medicine, Rigshospitalet, Copenhagen University Hospital
Classification: Uncertain significance. Last evaluated: 2025-03-04. Review status: criteria provided, single submitter. Criteria: ACMG Guidelines, 2015. Collection method: clinical testing. Allele origin: germline.

Women's Health and Genetics/Laboratory Corporation of America, LabCorp
Classification: Uncertain significance. Last evaluated: 2025-02-04. Review status: criteria provided, single submitter. Criteria: LabCorp Variant Classification Summary - May 2015. Collection method: clinical testing. Allele origin: germline.
Comment: Variant summary: POLE c.5480C>T (p.Ser1827Leu) results in a non-conservative amino acid change located in the DNA polymerase epsilon, catalytic subunit A, C-terminal domain (IPR013697) of the encoded protein sequence. Four of five in-silico tools predict a damaging effect of the variant on protein function. The variant allele was found at a frequency of 2.4e-05 in 251440 control chromosomes. The available data on variant occurrences in the general population are insufficient to allow any conclusion about variant significance. c.5480C>T has been reported in the literature in at least one individual affected with metastatic prostate cancer without strong evidence for causality (e.g. Boyle_2020). This report does not provide unequivocal conclusions about association of the variant with Colorectal Cancer. To our knowledge, no experimental evidence demonstrating an impact on protein function has been reported. The following publication have been ascertained in the context of this evaluation (PMID: 32923906). ClinVar contains an entry for this variant (Variation ID: 405627). Based on the evidence outlined above, the variant was classified as uncertain significance.

GeneDx
Classification: Uncertain significance. Last evaluated: 2025-01-07. Review status: criteria provided, single submitter. Criteria: GeneDx Variant Classification Process June 2021. Collection method: clinical testing. Allele origin: germline. Affected: yes.
Comment: In silico analysis supports that this missense variant has a deleterious effect on protein structure/function; Observed in a patient with metastatic prostate cancer (PMID: 32923906); This variant is associated with the following publications: (PMID: 25228659, 29625052, 32923906, Krishnan[Abstract])

Ambry Genetics
Classification: Uncertain significance for Hereditary cancer-predisposing syndrome. Last evaluated: 2024-12-06. Review status: criteria provided, single submitter. Criteria: Ambry Variant Classification Scheme 2023. Collection method: clinical testing. Allele origin: germline.
Comment: The p.S1827L variant (also known as c.5480C>T), located in coding exon 40 of the POLE gene, results from a C to T substitution at nucleotide position 5480. The serine at codon 1827 is replaced by leucine, an amino acid with dissimilar properties. This amino acid position is highly conserved in available vertebrate species. In addition, this alteration is predicted to be deleterious by in silico analysis. Based on the available evidence, the clinical significance of this variant remains unclear.

ARUP Laboratories, Molecular Genetics and Genomics, ARUP Laboratories
Classification: Uncertain significance. Last evaluated: 2021-01-25. Review status: criteria provided, single submitter. Criteria: ARUP Molecular Germline Variant Investigation Process 2021. Collection method: clinical testing. Allele origin: germline.
Comment: The POLE c.5480C>T; p.Ser1827Leu variant (rs763031537) variant, to our knowledge, is not reported in the medical literature or gene specific databases. The variant is reported in the ClinVar database (Variation ID: 405627) and is reported in the general population with an allele frequency of 0.002% (6/251,440 alleles) in the Genome Aggregation Database. The serine at codon 1827 is highly conserved but computational analyses are uncertain whether this variant is neutral or deleterious (REVEL: 0.635). This variant is not located in the exonuclease domain (Palles 2013), and gene-disease association has not been established for variants outside of the exonuclease domain (Seifert 2019). However, due to limited information, the significance of the p.Ser1827Leu variant is uncertain at this time. References: Palles C et al. Germline mutations affecting the proofreading domains of POLE and POLD1 predispose to colorectal adenomas and carcinomas. Nat Genet. 2013 Feb;45(2):136-44. Seifert BA et al. Determining the clinical validity of hereditary colorectal cancer and polyposis susceptibility genes using the Clinical Genome Resource Clinical Validity Framework. Genet Med. 2019 Jul;21(7):1507-1516.

Quest Diagnostics Nichols Institute San Juan Capistrano
Classification: Uncertain significance. Last evaluated: 2019-09-16. Review status: criteria provided, single submitter. Criteria: Quest Diagnostics criteria. Collection method: clinical testing. Allele origin: unknown.

Literature cited by the submitters: PubMed 32923906 (cited by Women's Health and Genetics/Laboratory Corporation of America, LabCorp).